The following is an entry in ClinVar:

ClinVar aggregate classification (germline): Uncertain significance (1 of 4 stars; one submission).

gnomAD v4.1: 30 of 1,613,216 alleles (0.0019%); highest among the groups gnomAD compares: Admixed American, 0.0033%; no homozygotes.

Submission:

Labcorp Genetics (formerly Invitae), Labcorp
Classification: Uncertain significance. Last evaluated: 2024-04-29. Review status: criteria provided, single submitter. Criteria: Invitae Variant Classification Sherloc (09022015). Collection method: clinical testing. Allele origin: germline.
Comment: This sequence change replaces proline, which is neutral and non-polar, with leucine, which is neutral and non-polar, at codon 476 of the CBX2 protein (p.Pro476Leu). This variant is present in population databases (rs782567046, gnomAD 0.004%). This variant has not been reported in the literature in individuals affected with CBX2-related conditions. Advanced modeling of protein sequence and biophysical properties (such as structural, functional, and spatial information, amino acid conservation, physicochemical variation, residue mobility, and thermodynamic stability) performed at Invitae indicates that this missense variant is not expected to disrupt CBX2 protein function with a negative predictive value of 80%. In summary, the available evidence is currently insufficient to determine the role of this variant in disease. Therefore, it has been classified as a Variant of Uncertain Significance.

NM_005189.3(CBX2):c.1427C>T (p.Pro476Leu)

Gene: CBX2 (chromobox 2; plus strand). Cytogenetic location: 17q25.3.
Variant type: single nucleotide variant.
Coding change: c.1427C>T on transcript NM_005189.3 (MANE Select); coding-DNA position 1427, C replaced by T.
Protein change: p.Pro476Leu; replaces proline 476 with leucine.
Molecular consequence: missense variant.
Genome position (GRCh38, 1-based): chr17:79,784,870, C>T. VCF-style: chr17-79784870-C-T. GRCh37 (hg19) VCF-style: chr17-77758669-C-T.
Other names: short protein forms P476L.
Identifiers: ClinVar variation 3604727 (VCV003604727.2).